The following is an entry in ClinVar:

NM_003470.3(USP7):c.1033G>A (p.Glu345Lys)

Gene: USP7 (ubiquitin specific peptidase 7; minus strand). Cytogenetic location: 16p13.2.
Variant type: single nucleotide variant.
Coding change: c.1033G>A on transcript NM_003470.3 (MANE Select); coding-DNA position 1033, G replaced by A.
Protein change: p.Glu345Lys; replaces glutamic acid 345 with lysine.
Molecular consequence: missense variant. On other transcripts: non-coding transcript variant (1).
Genome position (GRCh38, 1-based): chr16:8,915,299, C>T on the plus strand (G>A on the coding strand, the complement: USP7 is on the minus strand). VCF-style: chr16-8915299-C-T. GRCh37 (hg19) VCF-style: chr16-9009156-C-T.
Other names: c.985G>A, p.Glu329Lys (NM_001286457.2); c.736G>A, p.Glu246Lys (NM_001286458.2); c.859G>A, p.Glu287Lys (NM_001321858.2); short protein forms E246K, E287K, E329K, E345K.
Identifiers: ClinVar variation 1299454 (VCV001299454.4), dbSNP rs2141200474, ClinGen allele CA394703386.

ClinVar aggregate classification (germline): Likely pathogenic (1 of 4 stars; one submission).

Conditions:
Hao-Fountain syndrome (HAFOUS). Identifiers: Orphanet 643549, MedGen C5393908, MONDO:0014805.

Submission:

Illumina Laboratory Services, Illumina
Classification: Likely pathogenic for Hao-Fountain syndrome due to USP7 mutation. Last evaluated: 2019-12-06. Review status: criteria provided, single submitter. Criteria: ICSLVariantClassificationCriteria RUGD 01 April 2020. Collection method: clinical testing. Allele origin: unknown.
Comment: The USP7 c.1033G>A (p.Glu345Lys) variant is a missense variant. The p.Glu345Lys variant is described by Fountain et al. (2019) in a report of 23 individuals with heterozygous, de novo variants in USP7 and neurodevelopmental phenotypes. This variant is not found in the Genome Aggregation Database despite its location in a region of good sequence coverage, which suggests the variant is rare. Based on the available information, the p.Glu345Lys variant is classified as likely pathogenic for Hao-Fountain syndrome.

Literature cited by the submitters: PubMed 30679821.